The following is an entry in ClinVar:

ClinVar aggregate classification (germline): Uncertain significance. Review status: reviewed by expert panel (3 of 4 stars). 3 submissions from 3 submitters: Uncertain significance (1). 2 of the submissions do not count toward it. Last evaluated 2024-09-18.

Conditions:
Acute myeloid leukemia (AML). Also called: Leukemia, acute myeloid, somatic; Leukemia, acute myelogenous, somatic; Acute myeloid leukemia, adult; AML adult; Acute non-lymphocytic leukemia; Acute granulocytic leukemia. Identifiers: Orphanet 519, MedGen C0023467, MeSH D015470, MONDO:0018874, OMIM 601626, HP:0004808. Disease mechanism: Constitutively activated FLT3.
Hereditary thrombocytopenia and hematologic cancer predisposition syndrome. Identifiers: Orphanet 71290, MedGen CN281654, MONDO:0011071.
Hereditary thrombocytopenia and hematological cancer predisposition syndrome associated with RUNX1. Also called: Familial Platelet Disorder with Propensity to Acute Myelogenous Leukemia; Familial thrombocytopenia with propensity to acute myelogenous leukemia; RUNX1 Familial Platelet Disorder with Associated Myeloid Malignancies; PLATELET DISORDER, ASPIRIN-LIKE. Identifiers: Orphanet 71290, MedGen C1832388, MeSH C563324, MONDO:0100083, OMIM 601399.

Submissions (3):

ClinGen Myeloid Malignancy Variant Curation Expert Panel
Classification: Uncertain significance for Hereditary thrombocytopenia and hematologic cancer predisposition syndrome. Last evaluated: 2024-09-18. Review status: reviewed by expert panel. Criteria: ClinGen MyeloMalig ACMG Specifications v2. Collection method: curation. Allele origin: germline. Inheritance: Autosomal dominant inheritance.
Comment: NM_001754.5(RUNX1):c.331A>C (p.Thr111Pro) is a missense variant which has a REVEL score ≥ 0.88 (0.961) (PP3). This variant affects a codon within the Runt Homology domain (AA 89-204) but does not occur within an established hotspot residue (PM1_Supporting). In summary, the clinical significance of this variant is uncertain. ACMG/AMP criteria applied, as specified by the Myeloid Malignancy Variant Curation Expert Panel for RUNX1: PP3, PM1_supporting.

Labcorp Genetics (formerly Invitae), Labcorp
Classification: Uncertain significance for Hereditary thrombocytopenia and hematological cancer predisposition syndrome associated with RUNX1. Last evaluated: 2022-12-31. Review status: criteria provided, single submitter. Criteria: Invitae Variant Classification Sherloc (09022015). Collection method: clinical testing. Allele origin: germline. Not counted in ClinVar's aggregate classification.
Comment: This sequence change replaces threonine, which is neutral and polar, with proline, which is neutral and non-polar, at codon 111 of the RUNX1 protein (p.Thr111Pro). This variant is not present in population databases (gnomAD no frequency). This variant has not been reported in the literature in individuals affected with RUNX1-related conditions. ClinVar contains an entry for this variant (Variation ID: 1065582). Advanced modeling of protein sequence and biophysical properties (such as structural, functional, and spatial information, amino acid conservation, physicochemical variation, residue mobility, and thermodynamic stability) has been performed at Invitae for this missense variant, however the output from this modeling did not meet the statistical confidence thresholds required to predict the impact of this variant on RUNX1 protein function. In summary, the available evidence is currently insufficient to determine the role of this variant in disease. Therefore, it has been classified as a Variant of Uncertain Significance.

Johns Hopkins Genomics, Johns Hopkins University
Classification: Uncertain significance for Acute myeloid leukemia. Last evaluated: 2021-04-12. Review status: criteria provided, single submitter. Criteria: ACMG Guidelines, 2015. Collection method: clinical testing. Allele origin: germline. Not counted in ClinVar's aggregate classification.

NM_001754.5(RUNX1):c.331A>C (p.Thr111Pro)

Gene: RUNX1 (RUNX family transcription factor 1; minus strand). Cytogenetic location: 21q22.12.
Variant type: single nucleotide variant.
Coding change: c.331A>C on transcript NM_001754.5 (MANE Select); coding-DNA position 331, A replaced by C.
Protein change: p.Thr111Pro; replaces threonine 111 with proline.
Molecular consequence: missense variant.
Genome position (GRCh38, 1-based): chr21:34,886,863, T>G on the plus strand (A>C on the coding strand, the complement: RUNX1 is on the minus strand). VCF-style: chr21-34886863-T-G. GRCh37 (hg19) VCF-style: chr21-36259160-T-G.
Other names: NM_001754.5(RUNX1):c.331A>C; p.Thr111Pro; c.250A>C, p.Thr84Pro (NM_001001890.3, NM_001122607.2); short protein forms T111P, T84P.
Identifiers: ClinVar variation 1065582 (VCV001065582.5), dbSNP rs1555899722, ClinGen allele CA410203416.